The following is an entry in ClinVar:

ClinVar aggregate classification (germline): Uncertain significance. Review status: criteria provided, multiple submitters, no conflicts (2 of 4 stars). 2 submissions from 2 submitters: Uncertain significance (2). Last evaluated 2025-06-07.

Conditions:
Inborn genetic diseases. Identifiers: MedGen C0950123, MeSH D030342.
Glycogen storage disease, type VI (GSD6). Also called: Glycogen storage disease type 6; Hepatic glycogen phosphorylase deficiency; HERS DISEASE; PHOSPHORYLASE DEFICIENCY GLYCOGEN-STORAGE DISEASE OF LIVER; Glycogen storage disease type 6, due to phosphorylation; GSD VI. Identifiers: Orphanet 369, MedGen C0017925, MONDO:0009294, OMIM 232700.

Allele frequency attached by ClinVar (database versions not stated): TOPMed below 0.00001; gnomAD exomes 0.00001 and 0.00002; ExAC 0.00002.
gnomAD v4.1: 9 of 1,613,554 alleles (0.00056%); highest among the groups gnomAD compares: South Asian, 0.0033%; no homozygotes.

Submissions (2):

Ambry Genetics
Classification: Uncertain significance for Inborn genetic diseases. Last evaluated: 2025-06-07. Review status: criteria provided, single submitter. Criteria: Ambry Variant Classification Scheme 2023. Collection method: clinical testing. Allele origin: germline.

Labcorp Genetics (formerly Invitae), Labcorp
Classification: Uncertain significance for Glycogen storage disease, type VI. Last evaluated: 2021-04-24. Review status: criteria provided, single submitter. Criteria: Invitae Variant Classification Sherloc (09022015). Collection method: clinical testing. Allele origin: germline.
Comment: In summary, the available evidence is currently insufficient to determine the role of this variant in disease. Therefore, it has been classified as a Variant of Uncertain Significance. Advanced modeling of protein sequence and biophysical properties (such as structural, functional, and spatial information, amino acid conservation, physicochemical variation, residue mobility, and thermodynamic stability) performed at Invitae indicates that this missense variant is not expected to disrupt PYGL protein function. This variant has not been reported in the literature in individuals with PYGL-related conditions. This variant is present in population databases (rs774026070, ExAC 0.006%). This sequence change replaces aspartic acid with valine at codon 110 of the PYGL protein (p.Asp110Val). The aspartic acid residue is highly conserved and there is a large physicochemical difference between aspartic acid and valine.

NM_002863.5(PYGL):c.329A>T (p.Asp110Val)

Gene: PYGL (glycogen phosphorylase L; minus strand). Cytogenetic location: 14q22.1.
Variant type: single nucleotide variant.
Coding change: c.329A>T on transcript NM_002863.5 (MANE Select); coding-DNA position 329, A replaced by T.
Protein change: p.Asp110Val; replaces aspartic acid 110 with valine.
Molecular consequence: missense variant. On other transcripts: intron variant (1).
Genome position (GRCh38, 1-based): chr14:50,937,752, T>A on the plus strand (A>T on the coding strand, the complement: PYGL is on the minus strand). VCF-style: chr14-50937752-T-A. GRCh37 (hg19) VCF-style: chr14-51404470-T-A.
Other names: c.329A>T (NM_002863.4); c.244-2567A>T (NM_001163940.2); short protein forms D110V.
Identifiers: ClinVar variation 1524769 (VCV001524769.9), dbSNP rs774026070, ClinGen allele CA7183847.